The following is an entry in ClinVar:

ClinVar aggregate classification (germline): Uncertain significance. Review status: criteria provided, multiple submitters, no conflicts (2 of 4 stars). 2 submissions from 2 submitters: Uncertain significance (2). Last evaluated 2025-10-13.

Allele frequency attached by ClinVar (database versions not stated): TOPMed 0.00005; gnomAD 0.00006.
gnomAD v4.1: 58 of 1,613,938 alleles (0.0036%); highest among the groups gnomAD compares: South Asian, 0.0088%; no homozygotes.

Submissions (2):

Labcorp Genetics (formerly Invitae), Labcorp
Classification: Uncertain significance. Last evaluated: 2025-10-13. Review status: criteria provided, single submitter. Criteria: Invitae Variant Classification Sherloc (09022015). Collection method: clinical testing. Allele origin: germline.
Comment: This sequence change replaces glycine, which is neutral and non-polar, with serine, which is neutral and polar, at codon 533 of the WHRN protein (p.Gly533Ser). This variant is present in population databases (rs752659496, gnomAD 0.007%). This variant has not been reported in the literature in individuals affected with WHRN-related conditions. ClinVar contains an entry for this variant (Variation ID: 850353). An algorithm developed to predict the effect of missense changes on protein structure and function (PolyPhen-2) suggests that this variant is likely to be tolerated. In summary, the available evidence is currently insufficient to determine the role of this variant in disease. Therefore, it has been classified as a Variant of Uncertain Significance.

GeneDx
Classification: Uncertain significance. Last evaluated: 2023-04-11. Review status: criteria provided, single submitter. Criteria: GeneDx Variant Classification Process June 2021. Collection method: clinical testing. Allele origin: germline. Affected: yes.
Comment: Not observed at significant frequency in large population cohorts (gnomAD); In silico analysis supports that this missense variant does not alter protein structure/function; Has not been previously published as pathogenic or benign to our knowledge

NM_015404.4(WHRN):c.1597G>A (p.Gly533Ser)

Gene: WHRN (whirlin; minus strand). Cytogenetic location: 9q32.
Variant type: single nucleotide variant.
Coding change: c.1597G>A on transcript NM_015404.4 (MANE Select); coding-DNA position 1597, G replaced by A.
Protein change: p.Gly533Ser; replaces glycine 533 with serine.
Molecular consequence: missense variant.
Genome position (GRCh38, 1-based): chr9:114,423,343, C>T on the plus strand (G>A on the coding strand, the complement: WHRN is on the minus strand). VCF-style: chr9-114423343-C-T. GRCh37 (hg19) VCF-style: chr9-117185623-C-T.
Other names: c.448G>A, p.Gly150Ser (NM_001083885.3); c.1597G>A, p.Gly533Ser (NM_001173425.2); c.544G>A, p.Gly182Ser (NM_001346890.1); c.1597G>A (NM_015404.2); short protein forms G150S, G182S, G533S.
Identifiers: ClinVar variation 850353 (VCV000850353.9), dbSNP rs752659496, ClinGen allele CA5205903.